The following is an entry in ClinVar:

NM_022489.4(INF2):c.3725_3728del (p.Thr1242fs)

Gene: INF2 (inverted formin 2; plus strand). Cytogenetic location: 14q32.33.
Variant type: Deletion.
Coding change: c.3725_3728del on transcript NM_022489.4 (MANE Select); coding-DNA positions 3725 to 3728, 4 bases deleted (CAAA; older notation c.3725_3728delCAAA).
Protein change: p.Thr1242fs; shifts the reading frame from threonine 1242.
Molecular consequence: frameshift variant. On other transcripts: intron variant (1).
Genome position (GRCh38, 1-based): chr14:104,715,314-104,715,317, CAAA deleted; deleting any 4 consecutive bases within chr14:104,715,311-104,715,317 gives the same sequence; the c. name uses the placement nearest the transcript's 3' end. VCF-style (leftmost placement, unchanged base first): chr14-104715310-AAAAC-A. GRCh37 (hg19) VCF-style: chr14-105181647-AAAAC-A.
Other names: c.3694+458_3694+461del (NM_001031714.4); short protein forms T1242fs.
Identifiers: ClinVar variation 1421667 (VCV001421667.10), dbSNP rs1349764218, ClinGen allele CA616442579.

ClinVar aggregate classification (germline): Uncertain significance. Review status: criteria provided, multiple submitters, no conflicts (2 of 4 stars). 3 submissions from 3 submitters: Uncertain significance (3). Last evaluated 2025-11-21.

Conditions:
Charcot-Marie-Tooth disease dominant intermediate E. Also called: CHARCOT-MARIE-TOOTH NEUROPATHY WITH FOCAL SEGMENTAL GLOMERULONEPHRITIS. Identifiers: Orphanet 93114, MedGen C4302667, MONDO:0013758, OMIM 614455.
Focal segmental glomerulosclerosis 5 (FSGS5). Identifiers: Orphanet 656, MedGen C2750475, MONDO:0013191, OMIM 613237.
Inborn genetic diseases. Identifiers: MedGen C0950123, MeSH D030342.

Submissions (3):

Ambry Genetics
Classification: Uncertain significance for Inborn genetic diseases. Last evaluated: 2025-11-21. Review status: criteria provided, single submitter. Criteria: Ambry Variant Classification Scheme 2023. Collection method: clinical testing. Allele origin: germline.
Comment: The c.3725_3728delCAAA variant, located in coding exon 21 of the INF2 gene, results from a deletion of 4 nucleotides at nucleotide positions 3725 to 3728, causing a translational frameshift with a predicted alternate stop codon (p.T1242Rfs*5). This alteration is expected to result in premature protein truncation or nonsense-mediated mRNA decay. However, loss of function of INF2 has not been clearly established as a mechanism of disease. Since supporting evidence is limited at this time, the clinical significance of this alteration remains unclear.

Labcorp Genetics (formerly Invitae), Labcorp
Classification: Uncertain significance for Charcot-Marie-Tooth disease dominant intermediate E; Focal segmental glomerulosclerosis 5. Last evaluated: 2022-11-29. Review status: criteria provided, single submitter. Criteria: Invitae Variant Classification Sherloc (09022015). Collection method: clinical testing. Allele origin: germline.
Comment: This variant is present in population databases (no rsID available, gnomAD 0.003%). In summary, the available evidence is currently insufficient to determine the role of this variant in disease. Therefore, it has been classified as a Variant of Uncertain Significance. Experimental studies and prediction algorithms are not available or were not evaluated, and the functional significance of this variant is currently unknown. ClinVar contains an entry for this variant (Variation ID: 1421667). This variant has not been reported in the literature in individuals affected with INF2-related conditions. This sequence change creates a premature translational stop signal (p.Thr1242Argfs*5) in the INF2 gene. While this is not anticipated to result in nonsense mediated decay, it is expected to disrupt the last 8 amino acid(s) of the INF2 protein.

Blueprint Genetics
Classification: Uncertain significance. Last evaluated: 2021-11-11. Review status: criteria provided, single submitter. Criteria: ACMG Guidelines, 2015. Collection method: clinical testing. Allele origin: germline.